The following is an entry in ClinVar:

NM_007118.4(TRIO):c.7462T>A (p.Ser2488Thr)

Gene: TRIO (trio Rho guanine nucleotide exchange factor; plus strand). Cytogenetic location: 5p15.2.
Variant type: single nucleotide variant.
Coding change: c.7462T>A on transcript NM_007118.4 (MANE Select); coding-DNA position 7462, T replaced by A.
Protein change: p.Ser2488Thr; replaces serine 2488 with threonine.
Molecular consequence: missense variant.
Genome position (GRCh38, 1-based): chr5:14,488,090, T>A. VCF-style: chr5-14488090-T-A. GRCh37 (hg19) VCF-style: chr5-14488199-T-A.
Other names: short protein forms S2488T.
Identifiers: ClinVar variation 2631928 (VCV002631928.1), dbSNP rs1411046488, ClinGen allele CA359237507.
Genomic context (GRCh38, chr5:14,488,090, plus strand): 5'-CTCGGCAAGGAGCCCTTCCCCCCCAGCAGCCCCCTGCAGAAGGGGGGCTCCTTCTGGAGC[T>A]CCATCCCCGCCTCCCCCGCCAGCCGACCCGGCTCCTTCACCTTCCCGGGGGACAGCGACT-3'
Protein context (NP_009049.2, residues 2478-2498): PLQKGGSFWS[Ser2488Thr]IPASPASRPG

ClinVar aggregate classification (germline): Uncertain significance (1 of 4 stars; one submission).

Conditions:
TRIO-related disorder. Also called: TRIO-related condition; TRIO-related disorders.

Allele frequency attached by ClinVar (database versions not stated): gnomAD exomes below 0.00001; gnomAD 0.00001; TOPMed 0.00001.
gnomAD v4.1: 2 of 1,603,588 alleles (0.00012%); highest among the groups gnomAD compares: Non-Finnish European, 0.00017%; no homozygotes.

Submission:

PreventionGenetics, part of Exact Sciences
Classification: Uncertain significance for TRIO-related condition. Last evaluated: 2023-10-04. Review status: criteria provided, single submitter. Criteria: ACMG Guidelines, 2015. Collection method: clinical testing. Allele origin: germline.
Comment: The TRIO c.7462T>A variant is predicted to result in the amino acid substitution p.Ser2488Thr. To our knowledge, this variant has not been reported in the literature or in a large population database, indicating this variant is rare. At this time, the clinical significance of this variant is uncertain due to the absence of conclusive functional and genetic evidence.